The following is an entry in ClinVar:

ClinVar aggregate classification (germline): Pathogenic (1 of 4 stars; one submission).

Submission:

CeGaT Center for Human Genetics Tuebingen
Classification: Pathogenic. Last evaluated: 2022-07-01. Review status: criteria provided, single submitter. Criteria: CeGaT Center For Human Genetics Tuebingen Variant Classification Criteria Version 2. Collection method: clinical testing. Allele origin: germline. Affected: yes. Observed: 2 variant alleles.
Comment: TFAP2B: PVS1, PM2, PP4

NM_003221.4(TFAP2B):c.276dup (p.Tyr93fs)

Gene: TFAP2B (transcription factor AP-2 beta; plus strand). Cytogenetic location: 6p12.3.
Variant type: Duplication.
Coding change: c.276dup on transcript NM_003221.4 (MANE Select); coding-DNA position 276, one base duplicated (C; older notation c.276dupC).
Protein change: p.Tyr93fs; shifts the reading frame from tyrosine 93.
Molecular consequence: frameshift variant.
Genome position (GRCh38, 1-based): chr6:50,823,601, C duplicated; the last of 4 consecutive C bases (chr6:50,823,598-50,823,601); duplicating any one gives the same sequence. VCF-style (leftmost placement, unchanged base first): chr6-50823597-A-AC. GRCh37 (hg19) VCF-style: chr6-50791310-A-AC.
Other names: short protein forms Y93fs.
Identifiers: ClinVar variation 1176512 (VCV001176512.33), dbSNP rs2113929578, ClinGen allele CA2499218335.
Genomic context (GRCh38, chr6:50,823,597, plus strand): 5'-CACCCCCCTACCAGCCGCTCCCCTACCACCAGAGCCAGGACCCCTACTCCCACGTCAACG[A>AC]CCCCTACTCCCTGAACCCACTGCACCAGCCCCAGCAACATCCCTGGGGGCAACGGCAGCG-3'